The following is an entry in ClinVar:

NM_007294.4(BRCA1):c.1141A>C (p.Lys381Gln)

Gene: BRCA1 (BRCA1 DNA repair associated; minus strand). Cytogenetic location: 17q21.31.
Variant type: single nucleotide variant.
Coding change: c.1141A>C on transcript NM_007294.4 (MANE Select); coding-DNA position 1141, A replaced by C.
Protein change: p.Lys381Gln; replaces lysine 381 with glutamine.
Molecular consequence: missense variant. On other transcripts: intron variant (137).
Genome position (GRCh38, 1-based): chr17:43,094,390, T>G on the plus strand (A>C on the coding strand, the complement: BRCA1 is on the minus strand). VCF-style: chr17-43094390-T-G. GRCh37 (hg19) VCF-style: chr17-41246407-T-G.
Other names: c.1141A>C, p.Lys381Gln (NM_001407652.1, NM_001407581.1, NM_001407582.1 and 30 more transcripts); c.1063A>C, p.Lys355Gln (NM_001407653.1, NM_001407654.1, NM_001407655.1 and 4 more transcripts); c.1060A>C, p.Lys354Gln (NM_001407660.1, NM_001407661.1, NM_001407662.1 and 1 more transcripts); c.928A>C, p.Lys310Gln (NM_001407571.1, NM_001407853.1, NM_001407894.1 and 9 more transcripts); c.1138A>C, p.Lys380Gln (NM_001407587.1, NM_001407590.1, NM_001407591.1 and 22 more transcripts); c.1132A>C, p.Lys378Gln (NM_001407646.1, NM_001407647.1); c.1018A>C, p.Lys340Gln (NM_001407648.1, NM_001407664.1, NM_001407665.1 and 19 more transcripts); c.1015A>C, p.Lys339Gln (NM_001407649.1, NM_001407670.1, NM_001407671.1 and 11 more transcripts); and 40 more; short protein forms K253Q, K254Q, K269Q, K314Q, K378Q, K85Q, K293Q, K333Q.
Identifiers: ClinVar variation 2863619 (VCV002863619.3), dbSNP rs80357385, ClinGen allele CA10599777.

ClinVar aggregate classification (germline): Uncertain significance (1 of 4 stars; one submission).

Conditions:
Hereditary breast ovarian cancer syndrome. Also called: Hereditary breast and ovarian cancer syndrome; Hereditary breast and/or ovarian cancer syndrome; BRCA1- and BRCA2-Associated Hereditary Breast and Ovarian Cancer; Hereditary breast and ovarian cancer syndrome (HBOC); Hereditary breast and ovarian cancer; Breast and ovarian cancer. Identifiers: Orphanet 145, MedGen C0677776, MeSH D061325, MONDO:0003582. Disease mechanism: loss of function.

Submission:

Labcorp Genetics (formerly Invitae), Labcorp
Classification: Uncertain significance for Hereditary breast ovarian cancer syndrome. Last evaluated: 2023-10-04. Review status: criteria provided, single submitter. Criteria: Invitae Variant Classification Sherloc (09022015). Collection method: clinical testing. Allele origin: germline.
Comment: This sequence change replaces lysine, which is basic and polar, with glutamine, which is neutral and polar, at codon 381 of the BRCA1 protein (p.Lys381Gln). This variant is not present in population databases (gnomAD no frequency). This variant has not been reported in the literature in individuals affected with BRCA1-related conditions. Advanced modeling of protein sequence and biophysical properties (such as structural, functional, and spatial information, amino acid conservation, physicochemical variation, residue mobility, and thermodynamic stability) performed at Invitae indicates that this missense variant is not expected to disrupt BRCA1 protein function. In summary, the available evidence is currently insufficient to determine the role of this variant in disease. Therefore, it has been classified as a Variant of Uncertain Significance.